The following is an entry in ClinVar:

NM_001374828.1(ARID1B):c.5092C>G (p.Leu1698Val)

Gene: ARID1B (AT-rich interaction domain 1B; plus strand). Cytogenetic location: 6q25.3.
Variant type: single nucleotide variant.
Coding change: c.5092C>G on transcript NM_001374828.1 (MANE Select); coding-DNA position 5092, C replaced by G.
Protein change: p.Leu1698Val; replaces leucine 1698 with valine.
Molecular consequence: missense variant.
Genome position (GRCh38, 1-based): chr6:157,201,317, C>G. VCF-style: chr6-157201317-C-G. GRCh37 (hg19) VCF-style: chr6-157522451-C-G.
Other names: c.2593C>G, p.Leu865Val (NM_001363725.2); c.4972C>G, p.Leu1658Val (NM_001371656.1, NM_001374820.1); c.4933C>G, p.Leu1645Val (NM_017519.3); c.4723C>G (NM_020732.3); short protein forms L1698V, L1645V, L1658V, L865V.
Identifiers: ClinVar variation 931676 (VCV000931676.3), dbSNP rs1794104878, ClinGen allele CA366242501.

ClinVar aggregate classification (germline): Uncertain significance (1 of 4 stars; one submission).

Conditions:
Coffin-Siris syndrome 1 (CSS1). Also called: Mental retardation, autosomal dominant 12; ARID1B-Related Coffin-Siris Syndrome. Identifiers: Orphanet 1465, MedGen C3281201, MONDO:0007617, OMIM 135900. Disease mechanism: gain of function.

Submission:

Centre for Mendelian Genomics, University Medical Centre Ljubljana
Classification: Uncertain significance for Coffin-Siris syndrome 1. Last evaluated: 2019-08-14. Review status: criteria provided, single submitter. Criteria: ACMG Guidelines, 2015. Collection method: clinical testing. Allele origin: unknown. Affected: yes.
Comment: This variant was classified as: Uncertain significance. The available evidence on this variant's pathogenicity is insufficient or conflicting. The following ACMG criteria were applied in classifying this variant: PM2,PP3,BP1.